The following is an entry in ClinVar:

ClinVar aggregate classification (germline): Likely benign (1 of 4 stars; one submission).

Allele frequency attached by ClinVar (database versions not stated): TOPMed below 0.00001; ExAC 0.00002; gnomAD exomes 0.00001.
gnomAD v4.1: 7 of 1,613,794 alleles (0.00043%); highest among the groups gnomAD compares: Middle Eastern, 0.066%; no homozygotes.

Submission:

ARUP Laboratories, Molecular Genetics and Genomics, ARUP Laboratories
Classification: Likely benign. Last evaluated: 2018-01-18. Review status: criteria provided, single submitter. Criteria: ARUP Molecular Germline Variant Investigation Process. Collection method: clinical testing. Allele origin: germline.
Comment: The CFTR c.-16C>T variant (rs769128872) is not reported in the literature or CFTR-specific variant databases. This variant is found in the general population with an overall allele frequency of 0.0008% (2/245962 alleles) in the Genome Aggregation Database. This variant occurs in the 5' untranslated region at a nucleotide that is weakly conserved and computational algorithms (NetStart 1.0, Promoter 2.0) do not predict this variant to alter transcription or translation initiation. Based on the available information, this variant is considered likely benign.

NM_000492.4(CFTR):c.-16C>T

Genes: CFTR (CF transmembrane conductance regulator; plus strand), LOC111674463 (CFTR promoter region; plus strand). Cytogenetic location: 7q31.2.
Variant type: single nucleotide variant.
Coding change: c.-16C>T on transcript NM_000492.4 (MANE Select); 16 bases upstream of the start codon, C replaced by T.
Molecular consequence: 5 prime UTR variant.
Genome position (GRCh38, 1-based): chr7:117,480,079, C>T. VCF-style: chr7-117480079-C-T. GRCh37 (hg19) VCF-style: chr7-117120133-C-T.
Identifiers: ClinVar variation 618013 (VCV000618013.8), dbSNP rs769128872, ClinGen allele CA4450592.